The following is an entry in ClinVar:

NM_000112.4(SLC26A2):c.982A>G (p.Lys328Glu)

Gene: SLC26A2 (solute carrier family 26 member 2; plus strand). Cytogenetic location: 5q32.
Variant type: single nucleotide variant.
Coding change: c.982A>G on transcript NM_000112.4 (MANE Select); coding-DNA position 982, A replaced by G.
Protein change: p.Lys328Glu; replaces lysine 328 with glutamic acid.
Molecular consequence: missense variant.
Genome position (GRCh38, 1-based): chr5:149,980,575, A>G. VCF-style: chr5-149980575-A-G. GRCh37 (hg19) VCF-style: chr5-149360138-A-G.
Other names: short protein forms K328E.
Identifiers: ClinVar variation 2574946 (VCV002574946.1), dbSNP rs373056487, ClinGen allele CA3505361.
Genomic context (GRCh38, chr5:149,980,575, plus strand): 5'-AGCCTTTTGTGCCTTTTGGTTCTTTTGCCAACCAAAGAACTCAATGAACACTTCAAATCC[A>G]AGCTTAAGGCACCGATTCCTATTGAACTTGTTGTTGTTGTAGCAGCCACATTAGCCTCTC-3'
Protein context (NP_000103.2, residues 318-338): TKELNEHFKS[Lys328Glu]LKAPIPIELV

ClinVar aggregate classification (germline): Uncertain significance (1 of 4 stars; one submission).

Allele frequency attached by ClinVar (database versions not stated): gnomAD 0.00001; TOPMed 0.00001; ExAC 0.00002; gnomAD exomes 0.00002; ESP Exome Variant Server 0.00008.
gnomAD v4.1: 26 of 1,614,000 alleles (0.0016%); highest among the groups gnomAD compares: Non-Finnish European, 0.0022%; no homozygotes.

Submission:

GeneDx
Classification: Uncertain significance. Last evaluated: 2023-02-06. Review status: criteria provided, single submitter. Criteria: GeneDx Variant Classification Process June 2021. Collection method: clinical testing. Allele origin: germline. Affected: yes.
Comment: Not observed at significant frequency in large population cohorts (gnomAD); In silico analysis supports that this missense variant has a deleterious effect on protein structure/function; Has not been previously published as pathogenic or benign to our knowledge